The following is an entry in ClinVar:

ClinVar aggregate classification (germline): Uncertain significance. Review status: criteria provided, multiple submitters, no conflicts (2 of 4 stars). 2 submissions from 2 submitters: Uncertain significance (2). Last evaluated 2025-04-02.

Conditions:
Inborn genetic diseases. Identifiers: MedGen C0950123, MeSH D030342.
Glycogen storage disease due to muscle and heart glycogen synthase deficiency. Also called: GSD 0b; MUSCLE GLYCOGEN SYNTHASE DEFICIENCY. Identifiers: Orphanet 137625, MedGen C1969054, MONDO:0012693, OMIM 611556.

Allele frequency attached by ClinVar (database versions not stated): ExAC 0.00001.
gnomAD v4.1: 6 of 1,613,986 alleles (0.00037%); highest among the groups gnomAD compares: South Asian, 0.0011%; no homozygotes.

Submissions (2):

Ambry Genetics
Classification: Uncertain significance for Inborn genetic diseases. Last evaluated: 2025-04-02. Review status: criteria provided, single submitter. Criteria: Ambry Variant Classification Scheme 2023. Collection method: clinical testing. Allele origin: germline.

Labcorp Genetics (formerly Invitae), Labcorp
Classification: Uncertain significance for Glycogen storage disease due to muscle and heart glycogen synthase deficiency. Last evaluated: 2022-02-11. Review status: criteria provided, single submitter. Criteria: Invitae Variant Classification Sherloc (09022015). Collection method: clinical testing. Allele origin: germline.
Comment: This sequence change replaces serine, which is neutral and polar, with asparagine, which is neutral and polar, at codon 559 of the GYS1 protein (p.Ser559Asn). This variant has not been reported in the literature in individuals affected with GYS1-related conditions. This variant is present in population databases (rs745662040, gnomAD 0.0009%). In summary, the available evidence is currently insufficient to determine the role of this variant in disease. Therefore, it has been classified as a Variant of Uncertain Significance. Algorithms developed to predict the effect of missense changes on protein structure and function (SIFT, PolyPhen-2, Align-GVGD) all suggest that this variant is likely to be tolerated.

NM_002103.5(GYS1):c.1676G>A (p.Ser559Asn)

Gene: GYS1 (glycogen synthase 1; minus strand). Cytogenetic location: 19q13.33.
Variant type: single nucleotide variant.
Coding change: c.1676G>A on transcript NM_002103.5 (MANE Select); coding-DNA position 1676, G replaced by A.
Protein change: p.Ser559Asn; replaces serine 559 with asparagine.
Molecular consequence: missense variant. On other transcripts: non-coding transcript variant (1).
Genome position (GRCh38, 1-based): chr19:48,970,679, C>T on the plus strand (G>A on the coding strand, the complement: GYS1 is on the minus strand). VCF-style: chr19-48970679-C-T. GRCh37 (hg19) VCF-style: chr19-49473936-C-T.
Other names: c.1484G>A, p.Ser495Asn (NM_001161587.2); c.1676G>A (NM_002103.4); short protein forms S495N, S559N.
Identifiers: ClinVar variation 2151259 (VCV002151259.5), dbSNP rs745662040, ClinGen allele CA9562865.
Genomic context (GRCh38, chr19:48,970,679, plus strand): 5'-CGGCTCTGCTGACAGAAACTGTAGAGGAAGGAGGTGAGCTGCGAGCAGGAATCATCCAGG[C>T]TGCGGAACCGCCGGTCAAGAATGTAGATACCTGTGGAGGCCAGGACCCAGGTTCAGAAAA-3'
Protein context (NP_002094.2, residues 549-569): GIYILDRRFR[Ser559Asn]LDDSCSQLTS